The following is an entry in ClinVar:

NM_004333.6(BRAF):c.406T>G (p.Ser136Ala)

Gene: BRAF (B-Raf proto-oncogene, serine/threonine kinase; minus strand). Cytogenetic location: 7q34.
Variant type: single nucleotide variant.
Coding change: c.406T>G on transcript NM_004333.6 (MANE Select); coding-DNA position 406, T replaced by G.
Protein change: p.Ser136Ala; replaces serine 136 with alanine.
Molecular consequence: missense variant. On other transcripts: intron variant (1).
Genome position (GRCh38, 1-based): chr7:140,834,707, A>C on the plus strand (T>G on the coding strand, the complement: BRAF is on the minus strand). VCF-style: chr7-140834707-A-C. GRCh37 (hg19) VCF-style: chr7-140534507-A-C.
Other names: c.406T>G, p.Ser136Ala (NM_001378468.1, NM_001378469.1, NM_001378471.1 and 5 more transcripts); c.304T>G, p.Ser102Ala (NM_001378470.1); c.250T>G, p.Ser84Ala (NM_001378472.1, NM_001378473.1); c.240+15404T>G (NM_001378475.1); short protein forms S102A, S136A, S84A.
Identifiers: ClinVar variation 3251225 (VCV003251225.18), dbSNP rs138086018.

ClinVar aggregate classification (germline): Likely benign (1 of 4 stars; one submission).

Allele frequency attached by ClinVar (database versions not stated): gnomAD exomes below 0.00001; gnomAD 0.00001; TOPMed 0.00001; ExAC 0.00002; ESP Exome Variant Server 0.00008.
gnomAD v4.1: 5 of 1,614,028 alleles (0.00031%); highest among the groups gnomAD compares: Non-Finnish European, 0.00025%; 1 homozygote.

Submission:

CeGaT Center for Human Genetics Tuebingen
Classification: Likely benign. Last evaluated: 2024-06-01. Review status: criteria provided, single submitter. Criteria: CeGaT Center For Human Genetics Tuebingen Variant Classification Criteria Version 2. Collection method: clinical testing. Allele origin: germline. Affected: yes. Observed: 1 variant allele.
Comment: BRAF: BP4